The following is an entry in ClinVar:

NM_000702.4(ATP1A2):c.1411A>G (p.Arg471Gly)

Gene: ATP1A2 (ATPase Na+/K+ transporting subunit alpha 2; plus strand). Cytogenetic location: 1q23.2.
Variant type: single nucleotide variant.
Coding change: c.1411A>G on transcript NM_000702.4 (MANE Select); coding-DNA position 1411, A replaced by G.
Protein change: p.Arg471Gly; replaces arginine 471 with glycine.
Molecular consequence: missense variant.
Genome position (GRCh38, 1-based): chr1:160,129,350, A>G. VCF-style: chr1-160129350-A-G. GRCh37 (hg19) VCF-style: chr1-160099140-A-G.
Other names: short protein forms R471G.
Identifiers: ClinVar variation 5038572 (VCV005038572.1).
Genomic context (GRCh38, chr1:160,129,350, plus strand): 5'-GAGTCAGCTCTGCTCAAGTGCATTGAGCTCTCCTGTGGCTCAGTGAGGAAAATGAGAGAC[A>G]GAAACCCCAAGGTGGCAGAGATTCCTTTCAACTCTACCAACAAGTACCAGGTCTGCTTGG-3'
Protein context (NP_000693.1, residues 461-481): SCGSVRKMRD[Arg471Gly]NPKVAEIPFN

ClinVar aggregate classification (germline): Uncertain significance (1 of 4 stars; one submission).

Submission:

CeGaT Center for Human Genetics Tuebingen
Classification: Uncertain significance. Last evaluated: 2026-08-01. Review status: criteria provided, single submitter. Criteria: CeGaT Center For Human Genetics Tuebingen Variant Classification Criteria Version 2. Collection method: clinical testing. Allele origin: germline. Affected: yes. Observed: 1 variant allele.
Comment: ATP1A2: PM2